The following is an entry in ClinVar:

NM_001130965.3(SUN1):c.296A>G (p.Lys99Arg)

Gene: SUN1 (Sad1 and UNC84 domain containing 1; plus strand). Cytogenetic location: 7p22.3.
Variant type: single nucleotide variant.
Coding change: c.296A>G on transcript NM_001130965.3 (MANE Select); coding-DNA position 296, A replaced by G.
Protein change: p.Lys99Arg; replaces lysine 99 with arginine.
Molecular consequence: missense variant. On other transcripts: non-coding transcript variant (3), 5 prime UTR variant (4).
Genome position (GRCh38, 1-based): chr7:841,975, A>G. VCF-style: chr7-841975-A-G. GRCh37 (hg19) VCF-style: chr7-881612-A-G.
Other names: c.296A>G, p.Lys99Arg (NM_001367682.1, NM_001367683.1, NM_001367685.1 and 34 more transcripts); c.146A>G, p.Lys49Arg (NM_001367684.1, NM_001367686.1, NM_001367636.1 and 24 more transcripts); c.359A>G, p.Lys120Arg (NM_001171945.2); c.-162A>G (NM_001367635.1); c.-272A>G (NM_001367639.1, NM_001367708.1); c.515A>G, p.Lys172Arg (NM_001367651.1); c.-466A>G (NM_001367658.1); c.107A>G, p.Lys36Arg (NM_001367695.1); short protein forms K120R, K172R, K36R, K49R, K99R.
Identifiers: ClinVar variation 1054417 (VCV001054417.9), dbSNP rs1203009448, ClinGen allele CA366546827.
Genomic context (GRCh38, chr7:841,975, plus strand): 5'-CTATAAACTTGCTGTTTTTTTTTCTTCTTAGAACAACAAAACAGCGCAGAAGCACAAACA[A>G]ATCAGCTTTTAGTATCAACCACGTGTCAAGGCAGGTCACGTCCTCTGGCGTCAGCCACGG-3'
Protein context (NP_001124437.1, residues 89-109): RTTKQRRSTN[Lys99Arg]SAFSINHVSR

ClinVar aggregate classification (germline): Uncertain significance (1 of 4 stars; one submission).

Conditions:
Emery-Dreifuss muscular dystrophy (EDMD). Also called: Scapuloperoneal syndrome, X-linked (formerly); Humeroperoneal neuromuscular disease, (formerly). Identifiers: Orphanet 261, MedGen C0410189, MONDO:0016830.

Allele frequency attached by ClinVar (database versions not stated): gnomAD exomes below 0.00001 and 0.00001.
gnomAD v4.1: 3 of 1,614,208 alleles (0.00019%); highest among the groups gnomAD compares: Admixed American, 0.0033%; no homozygotes.

Submission:

Labcorp Genetics (formerly Invitae), Labcorp
Classification: Uncertain significance for Emery-Dreifuss muscular dystrophy. Last evaluated: 2022-11-08. Review status: criteria provided, single submitter. Criteria: Invitae Variant Classification Sherloc (09022015). Collection method: clinical testing. Allele origin: germline.
Comment: In summary, the available evidence is currently insufficient to determine the role of this variant in disease. Therefore, it has been classified as a Variant of Uncertain Significance. Algorithms developed to predict the effect of missense changes on protein structure and function output the following: SIFT: "Tolerated"; PolyPhen-2: "Possibly Damaging"; Align-GVGD: "Class C0". The arginine amino acid residue is found in multiple mammalian species, which suggests that this missense change does not adversely affect protein function. ClinVar contains an entry for this variant (Variation ID: 1054417). This variant has not been reported in the literature in individuals affected with SUN1-related conditions. This variant is present in population databases (no rsID available, gnomAD 0.006%). This sequence change replaces lysine, which is basic and polar, with arginine, which is basic and polar, at codon 99 of the SUN1 protein (p.Lys99Arg).